The following is an entry in ClinVar:

ClinVar aggregate classification (germline): Pathogenic (1 of 4 stars; one submission).

Conditions:
Severe X-linked myotubular myopathy (CNMX). Also called: Myotubular myopathy, X-linked; MYOTUBULAR MYOPATHY 1; X-linked centronuclear myopathy. Identifiers: Orphanet 596, MedGen C0410203, MONDO:0010683, OMIM 310400.

Submission:

Broad Center for Mendelian Genomics, Broad Institute of MIT and Harvard
Classification: Pathogenic for Severe X-linked myotubular myopathy. Last evaluated: 2023-08-24. Review status: criteria provided, single submitter. Criteria: ACMG/ClinGen CNV Guidelines, 2019. Collection method: research. Allele origin: de novo. Inheritance: X-linked inheritance. Affected: yes.
Comment: These breakpoints have been estimated by exome sequencing only and therefore may not reflect the true breakpoints. The phenotype of the individual hemizygous for this variant is highly specific for centronuclear myopathy based on a muscle biopsy consistent with disease. This intragenic variant deletes the first coding exon and is predicted to cause loss of the methionine initiation codon. This alteration is then predicted to lead to a truncated or absent protein. Loss of function of MTM1 is an established disease mechanism in X-linked centronuclear myopathy. In summary, this variant meets criteria to be classified as pathogenic for X-linked centronuclear myopathy. The ACMG/ClinGen evidence codes and points used in this curation are as follows: 1: 0 points, 2: 0.90 points, 3: 0 points, 4-5: 0 points; Phenotype specificity: 0.45; Total: 1.35 points; Riggs 2020 (PMID: 31690835).

GRCh38/hg38 Xq28(chrX:150592508-150619237)x0

Gene: MTM1 (myotubularin 1; plus strand). Cytogenetic location: Xq28.
Variant type: copy number loss.
Change: copy number 0 of chrX:150,592,508-150,619,237 (26.7 kb, GRCh38 coordinates, 1-based), cytogenetic band Xq28.
Identifiers: ClinVar variation 2579227 (VCV002579227.1).